The following is an entry in ClinVar:

ClinVar aggregate classification (germline): Likely benign. Review status: criteria provided, multiple submitters, no conflicts (2 of 4 stars). 4 submissions from 4 submitters: Likely benign (4). Last evaluated 2025-09-22.

Conditions:
LITAF-related disorder. Also called: LITAF-related condition.
Inborn genetic diseases. Identifiers: MedGen C0950123, MeSH D030342.
Charcot-Marie-Tooth disease type 1C. Also called: CHARCOT-MARIE-TOOTH DISEASE, DEMYELINATING, TYPE 1C; HMSN IC; Charcot-Marie-Tooth disease, type IC; CMT, SLOW NERVE CONDUCTION TYPE C; CHARCOT-MARIE-TOOTH NEUROPATHY, TYPE 1C; NEUROPATHY, HEREDITARY MOTOR AND SENSORY, TYPE IC. Identifiers: Orphanet 101083, MedGen C0270913, MONDO:0010995, OMIM 601098.

Allele frequency attached by ClinVar (database versions not stated): gnomAD 0.00006; gnomAD exomes 0.00006; TOPMed 0.00006; ExAC 0.00007; ESP Exome Variant Server 0.00015; 1000 Genomes Project 30x 0.00047; 1000 Genomes Project 0.00060.
gnomAD v4.1: 157 of 1,614,132 alleles (0.0097%); highest among the groups gnomAD compares: Non-Finnish European, 0.012%; no homozygotes.

Submissions (4):

Labcorp Genetics (formerly Invitae), Labcorp
Classification: Likely benign for Charcot-Marie-Tooth disease type 1C. Last evaluated: 2025-09-22. Review status: criteria provided, single submitter. Criteria: Invitae Variant Classification Sherloc (09022015). Collection method: clinical testing. Allele origin: germline.

PreventionGenetics, part of Exact Sciences
Classification: Likely benign for LITAF-related condition. Last evaluated: 2025-08-26. Review status: criteria provided, single submitter. Criteria: ACMG Guidelines, 2015. Collection method: clinical testing. Allele origin: germline.
Comment: This variant is classified as likely benign based on ACMG/AMP sequence variant interpretation guidelines (Richards et al. 2015 PMID: 25741868, with internal and published modifications).

Ambry Genetics
Classification: Likely benign for Inborn genetic diseases. Last evaluated: 2019-07-11. Review status: criteria provided, single submitter. Criteria: Ambry Variant Classification Scheme 2023. Collection method: clinical testing. Allele origin: germline.

Illumina Laboratory Services, Illumina
Classification: Likely benign for Charcot-Marie-Tooth disease type 1C. Last evaluated: 2017-04-27. Review status: criteria provided, single submitter. Criteria: ICSL Variant Classification Criteria 13 December 2019. Collection method: clinical testing. Allele origin: germline.
Comment: This variant was observed as part of a predisposition screen in an ostensibly healthy population. A literature search was performed for the gene, cDNA change, and amino acid change (where applicable). No publications were found based on this search. Allele frequency data from public databases allowed determination this variant is unlikely to cause disease. Therefore, this variant is classified as likely benign.

NM_001136472.2(LITAF):c.147G>A (p.Thr49=)

Gene: LITAF (lipopolysaccharide induced TNF factor; minus strand). Cytogenetic location: 16p13.13.
Variant type: single nucleotide variant.
Coding change: c.147G>A on transcript NM_001136472.2 (MANE Select); coding-DNA position 147, G replaced by A.
Protein change: p.Thr49=; no amino-acid change (threonine 49 retained).
Molecular consequence: synonymous variant. On other transcripts: non-coding transcript variant (1).
Genome position (GRCh38, 1-based): chr16:11,556,584, C>T on the plus strand (G>A on the coding strand, the complement: LITAF is on the minus strand). VCF-style: chr16-11556584-C-T. GRCh37 (hg19) VCF-style: chr16-11650440-C-T.
Other names: c.147G>A, p.Thr49= (NM_001136473.1, NM_004862.4).
Identifiers: ClinVar variation 317786 (VCV000317786.18), dbSNP rs145659732, ClinGen allele CA7904173.
Genomic context (GRCh38, chr16:11,556,584, plus strand): 5'-GGGGATGGGCGCTGGCTGGGTATAATACGAAGGAGGATTCATGCCCTTCCCATCAGGCCC[C>T]GTCACAAGCCCCGTAGTTGGCCCAGGCATGGGAGCTGGAGGTGTGGGGTAATAACTGTTA-3'
Protein context (NP_001129944.1, residues 39-59): PMPGPTTGLV[Thr49=]GPDGKGMNPP